The following is an entry in ClinVar:

ClinVar aggregate classification (germline): Uncertain significance (1 of 4 stars; one submission).

Conditions:
Renal cell carcinoma. Identifiers: Orphanet 217071, MedGen C0007134, MeSH D002292, MONDO:0005086, HP:0005584.

Submission:

Labcorp Genetics (formerly Invitae), Labcorp
Classification: Uncertain significance for Renal cell carcinoma. Last evaluated: 2017-09-27. Review status: criteria provided, single submitter. Criteria: Invitae Variant Classification Sherloc (09022015). Collection method: clinical testing. Allele origin: germline.
Comment: This sequence change falls in intron 16 of the MET gene. It does not directly change the encoded amino acid sequence of the MET protein, but it affects a nucleotide within the consensus splice site of the intron. This variant is not present in population databases (ExAC no frequency). This variant has not been reported in the literature in individuals with MET-related disease. Nucleotide substitutions within the consensus splice site are a relatively common cause of aberrant splicing (PMID: 17576681, 9536098). Algorithms developed to predict the effect of sequence changes on RNA splicing suggest that this variant may disrupt the consensus splice site, but this prediction has not been confirmed by published transcriptional studies. In summary, the available evidence is currently insufficient to determine the role of this variant in disease. Therefore, it has been classified as a Variant of Uncertain Significance.

Literature cited by the submitters: PubMed 17576681; PubMed 9536098.

NM_000245.4(MET):c.3340+2dup

Gene: MET (MET proto-oncogene, receptor tyrosine kinase; plus strand). Cytogenetic location: 7q31.2.
Variant type: Duplication.
Coding change: c.3340+2dup on transcript NM_000245.4 (MANE Select); the canonical splice donor site of the intron after coding-DNA position 3340, one base duplicated (T; older notation c.3340+2dupT).
Molecular consequence: splice donor variant.
Genome position (GRCh38, 1-based): chr7:116,777,471, T duplicated. VCF-style (leftmost placement, unchanged base first): chr7-116777470-G-GT. GRCh37 (hg19) VCF-style: chr7-116417524-G-GT.
Other names: c.3394+2dupT (NM_001127500.1); c.3394+2dup (LRG_662t1, NM_001127500.3); c.2050+2dup (NM_001324402.2).
Identifiers: ClinVar variation 524878 (VCV000524878.10), dbSNP rs1554399352, ClinGen allele CA658796998.